The following is an entry in ClinVar:

ClinVar aggregate classification (germline): Uncertain significance (1 of 4 stars; one submission).

Conditions:
Dilated cardiomyopathy 1O (CMD1O). Also called: CARDIOMYOPATHY, DILATED, WITH VENTRICULAR TACHYCARDIA. Identifiers: Orphanet 154, MedGen C1837839, MONDO:0012062, OMIM 608569.

Submission:

Labcorp Genetics (formerly Invitae), Labcorp
Classification: Uncertain significance for Dilated cardiomyopathy 1O. Last evaluated: 2024-04-12. Review status: criteria provided, single submitter. Criteria: Invitae Variant Classification Sherloc (09022015). Collection method: clinical testing. Allele origin: germline.
Comment: This sequence change replaces glycine, which is neutral and non-polar, with glutamic acid, which is acidic and polar, at codon 727 of the ABCC9 protein (p.Gly727Glu). This variant is not present in population databases (gnomAD no frequency). This variant has not been reported in the literature in individuals affected with ABCC9-related conditions. Advanced modeling of protein sequence and biophysical properties (such as structural, functional, and spatial information, amino acid conservation, physicochemical variation, residue mobility, and thermodynamic stability) performed at Invitae indicates that this missense variant is expected to disrupt ABCC9 protein function with a positive predictive value of 95%. In summary, the available evidence is currently insufficient to determine the role of this variant in disease. Therefore, it has been classified as a Variant of Uncertain Significance.

NM_020297.4(ABCC9):c.2180G>A (p.Gly727Glu)

Gene: ABCC9 (ATP binding cassette subfamily C member 9; minus strand). Cytogenetic location: 12p12.1.
Variant type: single nucleotide variant.
Coding change: c.2180G>A on transcript NM_020297.4 (MANE Select); coding-DNA position 2180, G replaced by A.
Protein change: p.Gly727Glu; replaces glycine 727 with glutamic acid.
Molecular consequence: missense variant.
Genome position (GRCh38, 1-based): chr12:21,872,643, C>T on the plus strand (G>A on the coding strand, the complement: ABCC9 is on the minus strand). VCF-style: chr12-21872643-C-T. GRCh37 (hg19) VCF-style: chr12-22025577-C-T.
Other names: c.2180G>A, p.Gly727Glu (NM_001377273.1, NM_005691.4); c.1316G>A, p.Gly439Glu (NM_001377274.1); short protein forms G439E, G727E.
Identifiers: ClinVar variation 3649648 (VCV003649648.2).